The following is an entry in ClinVar:

NM_005026.5(PIK3CD):c.448G>A (p.Ala150Thr)

Gene: PIK3CD (phosphatidylinositol-4,5-bisphosphate 3-kinase catalytic subunit delta; plus strand). Cytogenetic location: 1p36.22.
Variant type: single nucleotide variant.
Coding change: c.448G>A on transcript NM_005026.5 (MANE Select); coding-DNA position 448, G replaced by A.
Protein change: p.Ala150Thr; replaces alanine 150 with threonine.
Molecular consequence: missense variant.
Genome position (GRCh38, 1-based): chr1:9,715,926, G>A. VCF-style: chr1-9715926-G-A. GRCh37 (hg19) VCF-style: chr1-9775984-G-A.
Other names: c.448G>A, p.Ala150Thr (NM_001350235.1, NM_001437546.1, NM_001437547.1 and 3 more transcripts); short protein forms A150T.
Identifiers: ClinVar variation 4766848 (VCV004766848.1).

ClinVar aggregate classification (germline): Uncertain significance (1 of 4 stars; one submission).

Conditions:
Immunodeficiency 14 (IMD14A). Also called: p110-DELTA-ACTIVATING MUTATION CAUSING SENESCENT T CELLS, LYMPHADENOPATHY, AND IMMUNODEFICIENCY; ACTIVATED PI3K-DELTA SYNDROME 1; Activated PI3K Delta Syndrome Type 1 (APDS1); IMMUNODEFICIENCY 14A WITH LYMPHOPROLIFERATION, AUTOSOMAL DOMINANT. Identifiers: Orphanet 397596, Orphanet 693661, MedGen C5907821, MONDO:0014222, OMIM 615513.

gnomAD v4.1: 1 of 1,611,828 alleles (0.000062%); highest among the groups gnomAD compares: Admixed American, 0.0017%; no homozygotes.

Submission:

Labcorp Genetics (formerly Invitae), Labcorp
Classification: Uncertain significance for Activated PI3K-delta syndrome. Last evaluated: 2025-06-14. Review status: criteria provided, single submitter. Criteria: Invitae Variant Classification Sherloc (09022015). Collection method: clinical testing. Allele origin: germline.
Comment: This sequence change replaces alanine, which is neutral and non-polar, with threonine, which is neutral and polar, at codon 150 of the PIK3CD protein (p.Ala150Thr). This variant is not present in population databases (gnomAD no frequency). This variant has not been reported in the literature in individuals affected with PIK3CD-related conditions. Invitae Evidence Modeling of protein sequence and biophysical properties (such as structural, functional, and spatial information, amino acid conservation, physicochemical variation, residue mobility, and thermodynamic stability) indicates that this missense variant is not expected to disrupt PIK3CD protein function with a negative predictive value of 80%. In summary, the available evidence is currently insufficient to determine the role of this variant in disease. Therefore, it has been classified as a Variant of Uncertain Significance.